The following is an entry in ClinVar:

NM_005228.5(EGFR):c.1320C>T (p.Val440=)

Gene: EGFR (epidermal growth factor receptor; plus strand). Cytogenetic location: 7p11.2.
Variant type: single nucleotide variant.
Coding change: c.1320C>T on transcript NM_005228.5 (MANE Select); coding-DNA position 1320, C replaced by T.
Protein change: p.Val440=; no amino-acid change (valine 440 retained).
Molecular consequence: synonymous variant.
Genome position (GRCh38, 1-based): chr7:55,160,160, C>T. VCF-style: chr7-55160160-C-T. GRCh37 (hg19) VCF-style: chr7-55227853-C-T.
Other names: c.1185C>T, p.Val395= (NM_001346897.2, NM_001346899.2); c.1320C>T, p.Val440= (NM_001346898.2, NM_201282.2, NM_201284.2); c.1161C>T, p.Val387= (NM_001346900.2); c.519C>T, p.Val173= (NM_001346941.2); c.1320C>T (NM_005228.3).
Identifiers: ClinVar variation 1117851 (VCV001117851.11), dbSNP rs761495014, ClinGen allele CA4265559.

ClinVar aggregate classification (germline): Conflicting classifications of pathogenicity. Review status: criteria provided, conflicting classifications (1 of 4 stars). 3 submissions from 3 submitters: Uncertain significance (1); Likely benign (2). Last evaluated 2025-10-13.

Conditions:
Hereditary cancer-predisposing syndrome. Also called: Hereditary Cancer Syndrome; Neoplastic Syndromes, Hereditary; Tumor predisposition; Hereditary neoplastic syndrome. Identifiers: Orphanet 140162, MedGen C0027672, MeSH D009386, MONDO:0015356.
EGFR-related lung cancer (EGFR). Identifiers: MedGen CN130014.

Allele frequency attached by ClinVar (database versions not stated): ExAC 0.00001; gnomAD 0.00001.
gnomAD v4.1: 13 of 1,614,010 alleles (0.00081%); highest among the groups gnomAD compares: South Asian, 0.0022%; no homozygotes.

Submissions (3):

Labcorp Genetics (formerly Invitae), Labcorp
Classification: Likely benign for EGFR-related lung cancer. Last evaluated: 2025-10-13. Review status: criteria provided, single submitter. Criteria: Invitae Variant Classification Sherloc (09022015). Collection method: clinical testing. Allele origin: germline.

Ambry Genetics
Classification: Uncertain significance for Hereditary cancer-predisposing syndrome. Last evaluated: 2025-02-19. Review status: criteria provided, single submitter. Criteria: Ambry Variant Classification Scheme 2023. Collection method: clinical testing. Allele origin: germline.
Comment: The c.1320C>T variant (also known as p.V440V), located in coding exon 12 of the EGFR gene, results from a C to T substitution at nucleotide position 1320. This nucleotide substitution does not change the valine at codon 440. This nucleotide position is not well conserved in available vertebrate species. In silico splice site analysis predicts that this alteration may result in the creation or strengthening of a novel splice acceptor site. Based on the available evidence, the clinical significance of this variant remains unclear.

Blueprint Genetics
Classification: Likely benign. Last evaluated: 2024-08-26. Review status: criteria provided, single submitter. Criteria: ACMG Guidelines, 2015. Collection method: clinical testing. Allele origin: germline.